The following is an entry in ClinVar:

NM_022114.4(PRDM16):c.3540A>C (p.Glu1180Asp)

Gene: PRDM16 (PR/SET domain 16; plus strand). Cytogenetic location: 1p36.32.
Variant type: single nucleotide variant.
Coding change: c.3540A>C on transcript NM_022114.4 (MANE Select); coding-DNA position 3540, A replaced by C.
Protein change: p.Glu1180Asp; replaces glutamic acid 1180 with aspartic acid.
Molecular consequence: missense variant.
Genome position (GRCh38, 1-based): chr1:3,431,984, A>C. VCF-style: chr1-3431984-A-C. GRCh37 (hg19) VCF-style: chr1-3348548-A-C.
Other names: c.3540A>C, p.Glu1180Asp (NM_199454.3); short protein forms E1180D.
Identifiers: ClinVar variation 3628890 (VCV003628890.2).

ClinVar aggregate classification (germline): Uncertain significance (1 of 4 stars; one submission).

Conditions:
Left ventricular noncompaction 8 (LVNC8). Identifiers: Orphanet 154, Orphanet 54260, MedGen C3809288, MONDO:0014152, OMIM 615373.

gnomAD v4.1: 3 of 1,613,598 alleles (0.00019%); highest among the groups gnomAD compares: Non-Finnish European, 0.00025%; no homozygotes.

Submission:

Labcorp Genetics (formerly Invitae), Labcorp
Classification: Uncertain significance for Left ventricular noncompaction 8. Last evaluated: 2024-09-02. Review status: criteria provided, single submitter. Criteria: Invitae Variant Classification Sherloc (09022015). Collection method: clinical testing. Allele origin: germline.
Comment: This sequence change replaces glutamic acid, which is acidic and polar, with aspartic acid, which is acidic and polar, at codon 1180 of the PRDM16 protein (p.Glu1180Asp). This variant is present in population databases (rs764468276, gnomAD 0.0009%). This variant has not been reported in the literature in individuals affected with PRDM16-related conditions. An algorithm developed to predict the effect of missense changes on protein structure and function (PolyPhen-2) suggests that this variant is likely to be tolerated. In summary, the available evidence is currently insufficient to determine the role of this variant in disease. Therefore, it has been classified as a Variant of Uncertain Significance.